The following is an entry in ClinVar:

ClinVar aggregate classification (germline): Uncertain significance. Review status: criteria provided, multiple submitters, no conflicts (2 of 4 stars). 3 submissions from 3 submitters: Uncertain significance (3). Last evaluated 2025-01-04.

Conditions:
Developmental and epileptic encephalopathy, 18 (DEE18). Also called: Early infantile epileptic encephalopathy 18. Identifiers: Orphanet 369894, MedGen C3809624, MONDO:0014201, OMIM 615476.

Allele frequency attached by ClinVar (database versions not stated): TOPMed below 0.00001; gnomAD exomes 0.00001; ExAC 0.00002.
gnomAD v4.1: 16 of 1,614,044 alleles (0.00099%); highest among the groups gnomAD compares: African/African-American, 0.0013%; no homozygotes.

Submissions (3):

GeneDx
Classification: Uncertain significance. Last evaluated: 2025-01-04. Review status: criteria provided, single submitter. Criteria: GeneDx Variant Classification Process June 2021. Collection method: clinical testing. Allele origin: germline. Affected: yes.
Comment: Not observed at significant frequency in large population cohorts (gnomAD); In silico analysis indicates that this missense variant does not alter protein structure/function; Has not been previously published as pathogenic or benign to our knowledge

Revvity Omics, Revvity
Classification: Uncertain significance for Developmental and epileptic encephalopathy, 18. Last evaluated: 2023-11-19. Review status: criteria provided, single submitter. Criteria: ACMG Guidelines, 2015. Collection method: clinical testing. Allele origin: germline.

Labcorp Genetics (formerly Invitae), Labcorp
Classification: Uncertain significance. Last evaluated: 2021-09-01. Review status: criteria provided, single submitter. Criteria: Invitae Variant Classification Sherloc (09022015). Collection method: clinical testing. Allele origin: germline.
Comment: This sequence change replaces arginine with glutamine at codon 1322 of the SZT2 protein (p.Arg1322Gln). The arginine residue is highly conserved and there is a small physicochemical difference between arginine and glutamine. This variant is present in population databases (rs755722250, ExAC 0.006%). This variant has not been reported in the literature in individuals affected with SZT2-related conditions. Algorithms developed to predict the effect of missense changes on protein structure and function (SIFT, PolyPhen-2, Align-GVGD) all suggest that this variant is likely to be disruptive. Algorithms developed to predict the effect of sequence changes on RNA splicing suggest that this variant may create or strengthen a splice site. In summary, the available evidence is currently insufficient to determine the role of this variant in disease. Therefore, it has been classified as a Variant of Uncertain Significance.

NM_001365999.1(SZT2):c.4136G>A (p.Arg1379Gln)

Gene: SZT2 (SZT2 subunit of KICSTOR complex; plus strand). Cytogenetic location: 1p34.2.
Variant type: single nucleotide variant.
Coding change: c.4136G>A on transcript NM_001365999.1 (MANE Select); coding-DNA position 4136, G replaced by A.
Protein change: p.Arg1379Gln; replaces arginine 1379 with glutamine.
Molecular consequence: missense variant.
Genome position (GRCh38, 1-based): chr1:43,428,456, G>A. VCF-style: chr1-43428456-G-A. GRCh37 (hg19) VCF-style: chr1-43894127-G-A.
Other names: c.3965G>A (NM_015284.3); c.3965G>A, p.Arg1322Gln (NM_015284.4); short protein forms R1322Q, R1379Q.
Identifiers: ClinVar variation 1022940 (VCV001022940.8), dbSNP rs755722250, ClinGen allele CA809189.